The following is an entry in ClinVar:

NM_198859.4(PRICKLE2):c.1091G>C (p.Arg364Pro)

Gene: PRICKLE2 (prickle planar cell polarity protein 2; minus strand). Cytogenetic location: 3p14.1.
Variant type: single nucleotide variant.
Coding change: c.1091G>C on transcript NM_198859.4 (MANE Select); coding-DNA position 1091, G replaced by C.
Protein change: p.Arg364Pro; replaces arginine 364 with proline.
Molecular consequence: missense variant.
Genome position (GRCh38, 1-based): chr3:64,147,399, C>G on the plus strand (G>C on the coding strand, the complement: PRICKLE2 is on the minus strand). VCF-style: chr3-64147399-C-G. GRCh37 (hg19) VCF-style: chr3-64133075-C-G.
Other names: c.1091G>C, p.Arg364Pro (NM_001370528.1); short protein forms R364P.
Identifiers: ClinVar variation 2831700 (VCV002831700.3), dbSNP rs372367565, ClinGen allele CA353431363.

ClinVar aggregate classification (germline): Uncertain significance (1 of 4 stars; one submission).

Conditions:
Progressive myoclonic epilepsy type 5. Identifiers: Orphanet 402082, MedGen C5190799.

gnomAD v4.1: 1 of 1,614,242 alleles (0.000062%); highest among the groups gnomAD compares: Non-Finnish European, 0.000085%; no homozygotes.

Submission:

Labcorp Genetics (formerly Invitae), Labcorp
Classification: Uncertain significance for Progressive myoclonic epilepsy type 5. Last evaluated: 2024-09-16. Review status: criteria provided, single submitter. Criteria: Invitae Variant Classification Sherloc (09022015). Collection method: clinical testing. Allele origin: germline.
Comment: This sequence change replaces arginine, which is basic and polar, with proline, which is neutral and non-polar, at codon 364 of the PRICKLE2 protein (p.Arg364Pro). This variant is not present in population databases (gnomAD no frequency). This variant has not been reported in the literature in individuals affected with PRICKLE2-related conditions. An algorithm developed to predict the effect of missense changes on protein structure and function (PolyPhen-2) suggests that this variant is likely to be disruptive. In summary, the available evidence is currently insufficient to determine the role of this variant in disease. Therefore, it has been classified as a Variant of Uncertain Significance.